The following is an entry in ClinVar:

ClinVar aggregate classification (germline): Conflicting classifications of pathogenicity. Review status: criteria provided, conflicting classifications (1 of 4 stars). 2 submissions from 2 submitters: Uncertain significance (1); Likely benign (1). Last evaluated 2024-04-05.

Conditions:
Sulfite oxidase deficiency due to molybdenum cofactor deficiency type C. Also called: Molybdenum cofactor deficiency, complementation group C; Molybdenum cofactor deficiency C. Identifiers: Orphanet 308400, Orphanet 833, MedGen C1854990, MONDO:0014212, OMIM 615501.
Inborn genetic diseases. Identifiers: MedGen C0950123, MeSH D030342.

Allele frequency attached by ClinVar (database versions not stated): 1000 Genomes Project 30x 0.00016; 1000 Genomes Project 0.00020; TOPMed below 0.00001; gnomAD 0.00002; gnomAD exomes 0.00003 and 0.00005; ExAC 0.00007.
gnomAD v4.1: 48 of 1,614,010 alleles (0.003%); highest among the groups gnomAD compares: South Asian, 0.046%; 2 homozygotes.

Submissions (2):

Labcorp Genetics (formerly Invitae), Labcorp
Classification: Uncertain significance for Sulfite oxidase deficiency due to molybdenum cofactor deficiency type C. Last evaluated: 2024-04-05. Review status: criteria provided, single submitter. Criteria: Invitae Variant Classification Sherloc (09022015). Collection method: clinical testing. Allele origin: germline.
Comment: This sequence change replaces valine, which is neutral and non-polar, with isoleucine, which is neutral and non-polar, at codon 17 of the GPHN protein (p.Val17Ile). This variant is present in population databases (rs550187024, gnomAD 0.04%), including at least one homozygous and/or hemizygous individual. This variant has not been reported in the literature in individuals affected with GPHN-related conditions. ClinVar contains an entry for this variant (Variation ID: 1448942). Advanced modeling of protein sequence and biophysical properties (such as structural, functional, and spatial information, amino acid conservation, physicochemical variation, residue mobility, and thermodynamic stability) performed at Invitae indicates that this missense variant is not expected to disrupt GPHN protein function with a negative predictive value of 80%. In summary, the available evidence is currently insufficient to determine the role of this variant in disease. Therefore, it has been classified as a Variant of Uncertain Significance.

Ambry Genetics
Classification: Likely benign for Inborn genetic diseases. Last evaluated: 2023-03-14. Review status: criteria provided, single submitter. Criteria: Ambry Variant Classification Scheme 2023. Collection method: clinical testing. Allele origin: germline.

NM_020806.5(GPHN):c.49G>A (p.Val17Ile)

Gene: GPHN (gephyrin; plus strand). Cytogenetic location: 14q23.3.
Variant type: single nucleotide variant.
Coding change: c.49G>A on transcript NM_020806.5 (MANE Select); coding-DNA position 49, G replaced by A.
Protein change: p.Val17Ile; replaces valine 17 with isoleucine.
Molecular consequence: missense variant.
Genome position (GRCh38, 1-based): chr14:66,508,576, G>A. VCF-style: chr14-66508576-G-A. GRCh37 (hg19) VCF-style: chr14-66975294-G-A.
Other names: c.49G>A, p.Val17Ile (NM_001024218.2, NM_001377514.1, NM_001377515.1 and 4 more transcripts); c.49G>A (NM_020806.4); short protein forms V17I.
Identifiers: ClinVar variation 1448942 (VCV001448942.7), dbSNP rs550187024, ClinGen allele CA7233596.
Genomic context (GRCh38, chr14:66,508,576, plus strand): 5'-GCGCTGGGAAACATGGCGACCGAGGGAATGATCCTTACTAACCACGACCATCAAATCCGT[G>A]TCGGAGTCCTTACAGGTAACCGGGGGAGGAGGTCTGGGACCTATGAGGCTGCTGTCCCTG-3'
Protein context (NP_065857.1, residues 7-27): ILTNHDHQIR[Val17Ile]GVLTVSDSCF